The following is an entry in ClinVar:

NM_005876.5(SPEG):c.7681_7703del (p.Pro2561fs)

Genes: ASIC4-AS1 (ASIC4 antisense RNA 1; minus strand), SPEG (striated muscle enriched protein kinase; plus strand). Cytogenetic location: 2q35.
Variant type: Deletion.
Coding change: c.7681_7703del on transcript NM_005876.5 (MANE Select); coding-DNA positions 7681 to 7703, 23 bases deleted (CCAAACCTCTCTGCCAGCGTCCA).
Protein change: p.Pro2561fs; shifts the reading frame from proline 2561.
Molecular consequence: frameshift variant.
Genome position (GRCh38, 1-based): chr2:219,485,417-219,485,439, CCAAACCTCTCTGCCAGCGTCCA deleted; deleting any 23 consecutive bases within chr2:219,485,414-219,485,439 gives the same sequence; the c. name uses the placement nearest the transcript's 3' end. VCF-style (leftmost placement, unchanged base first): chr2-219485413-GCCACCAAACCTCTCTGCCAGCGT-G. GRCh37 (hg19) VCF-style: chr2-220350135-GCCACCAAACCTCTCTGCCAGCGT-G.
Other names: short protein forms P2561fs.
Identifiers: ClinVar variation 3657313 (VCV003657313.2).

ClinVar aggregate classification (germline): Pathogenic (1 of 4 stars; one submission).

Submission:

Labcorp Genetics (formerly Invitae), Labcorp
Classification: Pathogenic. Last evaluated: 2024-06-21. Review status: criteria provided, single submitter. Criteria: Invitae Variant Classification Sherloc (09022015). Collection method: clinical testing. Allele origin: germline.
Comment: This sequence change creates a premature translational stop signal (p.Pro2561Glyfs*11) in the SPEG gene. It is expected to result in an absent or disrupted protein product. Loss-of-function variants in SPEG are known to be pathogenic (PMID: 19118250, 25087613). This variant is not present in population databases (gnomAD no frequency). This variant has not been reported in the literature in individuals affected with SPEG-related conditions. For these reasons, this variant has been classified as Pathogenic.

Literature cited by the submitters: PubMed 19118250; PubMed 25087613.